The following is an entry in ClinVar:

NM_001244926.2(PRPF4):c.786C>G (p.Cys262Trp)

Gene: PRPF4 (pre-mRNA splicing tri-snRNP complex factor PRPF4; plus strand). Cytogenetic location: 9q32.
Variant type: single nucleotide variant.
Coding change: c.786C>G on transcript NM_001244926.2 (MANE Select); coding-DNA position 786, C replaced by G.
Protein change: p.Cys262Trp; replaces cysteine 262 with tryptophan.
Molecular consequence: missense variant. On other transcripts: non-coding transcript variant (2).
Genome position (GRCh38, 1-based): chr9:113,286,268, C>G. VCF-style: chr9-113286268-C-G. GRCh37 (hg19) VCF-style: chr9-116048548-C-G.
Other names: c.60C>G, p.Cys20Trp (NM_001322266.2, NM_001322267.2); c.789C>G, p.Cys263Trp (NM_004697.5); short protein forms C20W, C263W, C262W.
Identifiers: ClinVar variation 2130888 (VCV002130888.4), dbSNP rs2490824400, ClinGen allele CA374553853.

ClinVar aggregate classification (germline): Uncertain significance (1 of 4 stars; one submission).

Submission:

Labcorp Genetics (formerly Invitae), Labcorp
Classification: Uncertain significance. Last evaluated: 2022-04-26. Review status: criteria provided, single submitter. Criteria: Invitae Variant Classification Sherloc (09022015). Collection method: clinical testing. Allele origin: germline.
Comment: In summary, the available evidence is currently insufficient to determine the role of this variant in disease. Therefore, it has been classified as a Variant of Uncertain Significance. Algorithms developed to predict the effect of missense changes on protein structure and function are either unavailable or do not agree on the potential impact of this missense change (SIFT: "Deleterious"; PolyPhen-2: "Probably Damaging"; Align-GVGD: "Class C0"). This variant has not been reported in the literature in individuals affected with PRPF4-related conditions. This variant is not present in population databases (gnomAD no frequency). This sequence change replaces cysteine, which is neutral and slightly polar, with tryptophan, which is neutral and slightly polar, at codon 263 of the PRPF4 protein (p.Cys263Trp).